The following is an entry in ClinVar:

ClinVar aggregate classification (germline): Likely benign. Review status: criteria provided, multiple submitters, no conflicts (2 of 4 stars). 2 submissions from 2 submitters: Likely benign (2). Last evaluated 2026-07-22.

Conditions:
MAP1B-related disorder. Also called: MAP1B-related condition.

gnomAD v4.1: 56 of 1,613,882 alleles (0.0035%); highest among the groups gnomAD compares: East Asian, 0.051%; no homozygotes.

Submissions (2):

PreventionGenetics, part of Exact Sciences
Classification: Likely benign for MAP1B-related condition. Last evaluated: 2026-07-22. Review status: criteria provided, single submitter. Criteria: ACMG Guidelines, 2015. Collection method: clinical testing. Allele origin: germline.
Comment: This variant is classified as likely benign based on ACMG/AMP sequence variant interpretation guidelines (Richards et al. 2015 PMID: 25741868, with internal and published modifications).

Blueprint Genetics
Classification: Likely benign. Last evaluated: 2024-11-07. Review status: criteria provided, single submitter. Criteria: ACMG Guidelines, 2015. Collection method: clinical testing. Allele origin: germline.

NM_005909.5(MAP1B):c.249A>G (p.Val83=)

Gene: MAP1B (microtubule associated protein 1B; plus strand). Cytogenetic location: 5q13.2.
Variant type: single nucleotide variant.
Coding change: c.249A>G on transcript NM_005909.5 (MANE Select); coding-DNA position 249, A replaced by G.
Protein change: p.Val83=; no amino-acid change (valine 83 retained).
Molecular consequence: synonymous variant.
Genome position (GRCh38, 1-based): chr5:72,115,762, A>G. VCF-style: chr5-72115762-A-G. GRCh37 (hg19) VCF-style: chr5-71411589-A-G.
Other names: c.249A>G (NM_005909.4).
Identifiers: ClinVar variation 4970702 (VCV004970702.2).